The following is an entry in ClinVar:

ClinVar aggregate classification (germline): Uncertain significance (1 of 4 stars; one submission).

Conditions:
Donnai-Barrow syndrome. Also called: DBS/FOAR SYNDROME; FACIOOCULOACOUSTICORENAL SYNDROME. Identifiers: Orphanet 2143, MedGen C1857277, MONDO:0009104, OMIM 222448.

Submission:

Neuberg Centre For Genomic Medicine, NCGM
Classification: Uncertain significance for Donnai-Barrow syndrome. Review status: criteria provided, single submitter. Criteria: ACMG Guidelines, 2015. Collection method: clinical testing. Allele origin: germline. Inheritance: Autosomal recessive inheritance. Affected: yes.
Comment: The missense variant c.7835C>T(p.Thr2612Ile) in LRP2 gene has not been reported previously as a pathogenic variant nor as a benign variant, to our knowledge. The observed variant is absent in gnomAD exomes database. This variant has not been reported to the ClinVar database. The amino acid change p.Thr2612Ile in LRP2 is predicted as conserved by GERP++ and PhyloP across 100 vertebrates. Multiple lines of computational evidence (Polyphen, SIFT and MutationTaster) predict a conflicting evidences on protein structure and function for this variant. The amino acid Thr at position 2612 is changed to a Ile changing protein sequence and it might alter its composition and physico-chemical properties. For these reasons, this variant has been classified as Uncertain Significance (VUS).

NM_004525.3(LRP2):c.7835C>T (p.Thr2612Ile)

Gene: LRP2 (LDL receptor related protein 2; minus strand). Cytogenetic location: 2q31.1.
Variant type: single nucleotide variant.
Coding change: c.7835C>T on transcript NM_004525.3 (MANE Select); coding-DNA position 7835, C replaced by T.
Protein change: p.Thr2612Ile; replaces threonine 2612 with isoleucine.
Molecular consequence: missense variant.
Genome position (GRCh38, 1-based): chr2:169,204,152, G>A on the plus strand (C>T on the coding strand, the complement: LRP2 is on the minus strand). VCF-style: chr2-169204152-G-A. GRCh37 (hg19) VCF-style: chr2-170060662-G-A.
Other names: short protein forms T2612I.
Identifiers: ClinVar variation 3242111 (VCV003242111.1), dbSNP rs2545801698.